The following is an entry in ClinVar:

ClinVar aggregate classification (germline): Uncertain significance. Review status: criteria provided, multiple submitters, no conflicts (2 of 4 stars). 3 submissions from 3 submitters: Uncertain significance (3). Last evaluated 2024-12-03.

Conditions:
Cardiovascular phenotype. Identifiers: MedGen CN230736.
RASopathy. Also called: rasopathies; Noonan spectrum disorder. Identifiers: Orphanet 536391, MedGen C5555857, MONDO:0021060.

Allele frequency attached by ClinVar (database versions not stated): gnomAD 0.00001; gnomAD exomes below 0.00001 and 0.00001; TOPMed 0.00001.
gnomAD v4.1: 6 of 1,554,442 alleles (0.00039%); highest among the groups gnomAD compares: African/African-American, 0.0041%; no homozygotes.

Submissions (3):

Ambry Genetics
Classification: Uncertain significance for Cardiovascular phenotype. Last evaluated: 2024-12-03. Review status: criteria provided, single submitter. Criteria: Ambry Variant Classification Scheme 2023. Collection method: clinical testing. Allele origin: germline.

Labcorp Genetics (formerly Invitae), Labcorp
Classification: Uncertain significance for RASopathy. Last evaluated: 2024-03-25. Review status: criteria provided, single submitter. Criteria: Invitae Variant Classification Sherloc (09022015). Collection method: clinical testing. Allele origin: germline.
Comment: This sequence change replaces leucine, which is neutral and non-polar, with phenylalanine, which is neutral and non-polar, at codon 430 of the SHOC2 protein (p.Leu430Phe). This variant is present in population databases (rs730881022, gnomAD 0.02%). This variant has not been reported in the literature in individuals affected with SHOC2-related conditions. ClinVar contains an entry for this variant (Variation ID: 181531). Advanced modeling of protein sequence and biophysical properties (such as structural, functional, and spatial information, amino acid conservation, physicochemical variation, residue mobility, and thermodynamic stability) performed at Invitae indicates that this missense variant is not expected to disrupt SHOC2 protein function with a negative predictive value of 80%. In summary, the available evidence is currently insufficient to determine the role of this variant in disease. Therefore, it has been classified as a Variant of Uncertain Significance.

GeneDx
Classification: Uncertain significance. Last evaluated: 2013-06-05. Review status: criteria provided, single submitter. Criteria: GeneDx Variant Classification (06012015). Collection method: clinical testing. Allele origin: germline. Affected: yes.
Comment: The L430F missense change identified in the SHOC2 gene has not been published as a mutation, nor has it been reported as a benign polymorphism to our knowledge. The L430F missense change is a conservative amino acid substitution as it results in replacement of a neutral, non-polar residue (Leu) with another neutral, non-polar residue (Phe) at a residue of the protein that is conserved. Additionally, no mutations aside from the S2G mutation have been identified in the SHOC2 gene. This variant has been observed with known pathogenic mutations in other Rasopathy genes. The variant is found in NOONAN panel(s).

NM_007373.4(SHOC2):c.1288C>T (p.Leu430Phe)

Gene: SHOC2 (SHOC2 leucine rich repeat scaffold protein; plus strand). Cytogenetic location: 10q25.2.
Variant type: single nucleotide variant.
Coding change: c.1288C>T on transcript NM_007373.4 (MANE Select); coding-DNA position 1288, C replaced by T.
Protein change: p.Leu430Phe; replaces leucine 430 with phenylalanine.
Molecular consequence: missense variant. On other transcripts: non-coding transcript variant (1).
Genome position (GRCh38, 1-based): chr10:111,009,251, C>T. VCF-style: chr10-111009251-C-T. GRCh37 (hg19) VCF-style: chr10-112769009-C-T.
Other names: p.L430F:CTT>TTT; c.1150C>T, p.Leu384Phe (NM_001269039.3); c.1288C>T, p.Leu430Phe (NM_001324336.2, NM_001324337.2); short protein forms L430F, L384F.
Identifiers: ClinVar variation 181531 (VCV000181531.9), dbSNP rs730881022, ClinGen allele CA297184.